The following is an entry in ClinVar:

ClinVar aggregate classification (germline): Likely benign. Review status: criteria provided, multiple submitters, no conflicts (2 of 4 stars). 5 submissions from 5 submitters: Likely benign (4). 1 of the submissions does not count toward it. Last evaluated 2026-01-27.

Conditions:
Xeroderma pigmentosum (XP). Identifiers: Orphanet 910, MedGen C0043346, MONDO:0019600.
ERCC3-related disorder. Also called: ERCC3-related condition.

Allele frequency attached by ClinVar (database versions not stated): 1000 Genomes Project 30x 0.00016.
gnomAD v4.1: 124 of 1,614,164 alleles (0.0077%); highest among the groups gnomAD compares: Non-Finnish European, 0.01%; no homozygotes.

Submissions (5):

Labcorp Genetics (formerly Invitae), Labcorp
Classification: Likely benign. Last evaluated: 2026-01-27. Review status: criteria provided, single submitter. Criteria: Invitae Variant Classification Sherloc (09022015). Collection method: clinical testing. Allele origin: germline.

CeGaT Center for Human Genetics Tuebingen
Classification: Likely benign. Last evaluated: 2025-10-01. Review status: criteria provided, single submitter. Criteria: CeGaT Center For Human Genetics Tuebingen Variant Classification Criteria Version 2. Collection method: clinical testing. Allele origin: germline. Affected: yes. Observed: 1 variant allele.
Comment: ERCC3: BP4, BP7

Blueprint Genetics
Classification: Likely benign. Last evaluated: 2024-08-21. Review status: criteria provided, single submitter. Criteria: ACMG Guidelines, 2015. Collection method: clinical testing. Allele origin: germline.

Sema4
Classification: Likely benign for Xeroderma pigmentosum. Last evaluated: 2021-07-13. Review status: criteria provided, single submitter. Criteria: Sema4 Curation Guidelines. Collection method: curation. Allele origin: germline.

PreventionGenetics, part of Exact Sciences
Classification: Likely benign for ERCC3-related condition. Last evaluated: 2019-03-20. Review status: no assertion criteria provided. Collection method: clinical testing. Allele origin: germline. Not counted in ClinVar's aggregate classification.
Comment: This variant is classified as likely benign based on ACMG/AMP sequence variant interpretation guidelines (Richards et al. 2015 PMID: 25741868, with internal and published modifications).

NM_000122.2(ERCC3):c.2112G>T (p.Ser704=)

Gene: ERCC3 (ERCC excision repair 3, TFIIH core complex helicase subunit; minus strand). Cytogenetic location: 2q14.3.
Variant type: single nucleotide variant.
Coding change: c.2112G>T on transcript NM_000122.2 (MANE Select); coding-DNA position 2112, G replaced by T.
Protein change: p.Ser704=; no amino-acid change (serine 704 retained).
Molecular consequence: synonymous variant.
Genome position (GRCh38, 1-based): chr2:127,259,401, C>A on the plus strand (G>T on the coding strand, the complement: ERCC3 is on the minus strand). VCF-style: chr2-127259401-C-A. GRCh37 (hg19) VCF-style: chr2-128016977-C-A.
Other names: c.1920G>T, p.Ser640= (NM_001303416.2, NM_001303418.2).
Identifiers: ClinVar variation 1567200 (VCV001567200.18), dbSNP rs114710997, ClinGen allele CA1858079.